The following is an entry in ClinVar:

NM_000363.5(TNNI3):c.562G>A (p.Val188Met)

Gene: TNNI3 (troponin I3, cardiac type; minus strand). Cytogenetic location: 19q13.42.
Variant type: single nucleotide variant.
Coding change: c.562G>A on transcript NM_000363.5 (MANE Select); coding-DNA position 562, G replaced by A.
Protein change: p.Val188Met; replaces valine 188 with methionine.
Molecular consequence: missense variant.
Genome position (GRCh38, 1-based): chr19:55,151,905, C>T on the plus strand (G>A on the coding strand, the complement: TNNI3 is on the minus strand). VCF-style: chr19-55151905-C-T. GRCh37 (hg19) VCF-style: chr19-55663273-C-T.
Other names: p.V188M:GTG>ATG; c.562G>A (LRG_432t1); short protein forms V188M.
Identifiers: ClinVar variation 36883 (VCV000036883.13), dbSNP rs193922409, ClinGen allele CA021922.
Genomic context (GRCh38, chr19:55,151,905, plus strand): 5'-ACTTTTTCTTGCGGCCCTCCATTCCACTCAGTGCATCGATGTTCTTGCGCCAGTCTCCCA[C>T]CTCCCGGTTTTCCTGGAGGATGGCGATGAGTCAGAGGTTAGGGTCTCTTCTTGGTCTCCA-3'
Protein context (NP_000354.4, residues 178-198): KEDTEKENRE[Val188Met]GDWRKNIDAL

ClinVar aggregate classification (germline): Conflicting classifications of pathogenicity. Review status: criteria provided, conflicting classifications (1 of 4 stars). 5 submissions from 5 submitters: Likely pathogenic (1); Uncertain significance (4). Last evaluated 2025-05-27.

Conditions:
Cardiovascular phenotype. Identifiers: MedGen CN230736.
Hypertrophic cardiomyopathy. Also called: HYPERTROPHIC MYOCARDIOPATHY. Identifiers: Orphanet 217569, MedGen C0007194, MeSH D002312, MONDO:0005045, HP:0001639.

gnomAD v4.1: 1 of 1,614,130 alleles (0.000062%); highest among the groups gnomAD compares: South Asian, 0.0011%; no homozygotes.

Submissions (5):

GeneDx
Classification: Likely pathogenic. Last evaluated: 2025-05-27. Review status: criteria provided, single submitter. Criteria: GeneDx Variant Classification Process June 2021. Collection method: clinical testing. Allele origin: germline. Affected: yes.
Comment: Has not been previously published as pathogenic or benign to our knowledge; Not observed at significant frequency in large population cohorts (gnomAD); In silico analysis supports that this missense variant has a deleterious effect on protein structure/function

Labcorp Genetics (formerly Invitae), Labcorp
Classification: Uncertain significance for Hypertrophic cardiomyopathy. Last evaluated: 2022-12-16. Review status: criteria provided, single submitter. Criteria: Invitae Variant Classification Sherloc (09022015). Collection method: clinical testing. Allele origin: germline.
Comment: In summary, the available evidence is currently insufficient to determine the role of this variant in disease. Therefore, it has been classified as a Variant of Uncertain Significance. Algorithms developed to predict the effect of missense changes on protein structure and function are either unavailable or do not agree on the potential impact of this missense change (SIFT: "Deleterious"; PolyPhen-2: "Probably Damaging"; Align-GVGD: "Class C15"). ClinVar contains an entry for this variant (Variation ID: 36883). This variant has not been reported in the literature in individuals affected with TNNI3-related conditions. This variant is not present in population databases (gnomAD no frequency). This sequence change replaces valine, which is neutral and non-polar, with methionine, which is neutral and non-polar, at codon 188 of the TNNI3 protein (p.Val188Met).

Ambry Genetics
Classification: Uncertain significance for Cardiovascular phenotype. Last evaluated: 2022-02-18. Review status: criteria provided, single submitter. Criteria: Ambry Variant Classification Scheme 2023. Collection method: clinical testing. Allele origin: germline.

Mayo Clinic Laboratories, Mayo Clinic
Classification: Uncertain significance. Last evaluated: 2022-02-11. Review status: criteria provided, single submitter. Criteria: ACMG Guidelines, 2015. Collection method: clinical testing. Allele origin: germline. Observed: 1 variant allele.
Comment: PP3, PM1, PM2_supporting

Women's Health and Genetics/Laboratory Corporation of America, LabCorp
Classification: Uncertain significance. Last evaluated: 2016-10-27. Review status: criteria provided, single submitter. Criteria: LabCorp Variant Classification Summary - May 2015. Collection method: clinical testing. Allele origin: germline.
Comment: Variant summary: The TNNI3 c.562G>A (p.Val188Met) variant involves the alteration of a conserved nucleotide. 4/5 in silico tools predict a damaging outcome for this substitution. This variant is absent in 120606 control chromosomes. The variant of interest has not, to our knowledge, been reported in affected individuals via publications and/or reputable databases/clinical diagnostic laboratories; nor evaluated for functional impact by in vivo/vitro studies. Mutations in nearby residues (Asn185Lys, Arg186Gln, Glu187Gly, Asp190Gly, Arg192Cys) are listed in HGMD as causative variants for cardiomyopathy or atrial fibrillation indicating the functional importance of this region of the protein. A clinical diagnostic laboratory classified this variant as likely pathogenic (without evidence to independently evaluate). Due to the absence of clinical information about variant carriers and the lack of functional studies, the variant is classified as a variant of uncertain significance (VUS) until additional information becomes available.